The following is an entry in ClinVar:

ClinVar aggregate classification (germline): Uncertain significance (1 of 4 stars; one submission).

Conditions:
Autosomal dominant hypocalcemia 1 (HYPOC1). Also called: HYPOCALCEMIA, FAMILIAL. Identifiers: MedGen C3715128, MONDO:0011013, OMIM 601198.
Familial hypocalciuric hypercalcemia (FHH). Also called: Familial benign hypercalcemia. Identifiers: Orphanet 405, MedGen C1809471, MONDO:0018458.

Allele frequency attached by ClinVar (database versions not stated): gnomAD exomes below 0.00001.

Submission:

Labcorp Genetics (formerly Invitae), Labcorp
Classification: Uncertain significance for Familial hypocalciuric hypercalcemia; Autosomal dominant hypocalcemia 1. Last evaluated: 2024-12-02. Review status: criteria provided, single submitter. Criteria: Invitae Variant Classification Sherloc (09022015). Collection method: clinical testing. Allele origin: germline.
Comment: This sequence change replaces proline, which is neutral and non-polar, with leucine, which is neutral and non-polar, at codon 960 of the CASR protein (p.Pro960Leu). This variant is not present in population databases (gnomAD no frequency). This variant has not been reported in the literature in individuals affected with CASR-related conditions. ClinVar contains an entry for this variant (Variation ID: 2951522). An algorithm developed to predict the effect of missense changes on protein structure and function (PolyPhen-2) suggests that this variant is likely to be tolerated. In summary, the available evidence is currently insufficient to determine the role of this variant in disease. Therefore, it has been classified as a Variant of Uncertain Significance.

NM_000388.4(CASR):c.2879C>T (p.Pro960Leu)

Gene: CASR (calcium sensing receptor; plus strand). Cytogenetic location: 3q21.1.
Variant type: single nucleotide variant.
Coding change: c.2879C>T on transcript NM_000388.4 (MANE Select); coding-DNA position 2879, C replaced by T.
Protein change: p.Pro960Leu; replaces proline 960 with leucine.
Molecular consequence: missense variant.
Genome position (GRCh38, 1-based): chr3:122,284,833, C>T. VCF-style: chr3-122284833-C-T. GRCh37 (hg19) VCF-style: chr3-122003680-C-T.
Other names: c.2909C>T, p.Pro970Leu (NM_001178065.2); short protein forms P960L, P970L.
Identifiers: ClinVar variation 2951522 (VCV002951522.3), dbSNP rs2473282424, ClinGen allele CA354160970.